The following is an entry in ClinVar:

NM_001164508.2(NEB):c.11416A>T (p.Lys3806Ter)

Gene: NEB (nebulin; minus strand). Cytogenetic location: 2q23.3.
Variant type: single nucleotide variant.
Coding change: c.11416A>T on transcript NM_001164508.2 (MANE Select); coding-DNA position 11416, A replaced by T.
Protein change: p.Lys3806Ter; replaces lysine 3806 with a stop codon.
Molecular consequence: nonsense.
Genome position (GRCh38, 1-based): chr2:151,614,461, T>A on the plus strand (A>T on the coding strand, the complement: NEB is on the minus strand). VCF-style: chr2-151614461-T-A. GRCh37 (hg19) VCF-style: chr2-152470975-T-A.
Other names: c.11416A>T, p.Lys3806Ter (NM_001164507.2, NM_001271208.2); c.10687A>T, p.Lys3563Ter (NM_004543.5); short protein forms K3563*, K3806*.
Identifiers: ClinVar variation 4850876 (VCV004850876.1).

ClinVar aggregate classification (germline): Pathogenic (1 of 4 stars; one submission).

Conditions:
Fetal anomalies with a likely genetic cause.

Submission:

Genetics Laboratory, Great Ormond Street Hospital NHS Foundation Trust, North Thames Genomic Laboratory Hub
Classification: Pathogenic for Fetal anomalies with a likely genetic cause. Last evaluated: 2026-03-17. Review status: criteria provided, single submitter. Criteria: ACGS Best Practice Guidelines for Variant Classification in Rare Disease 2024 v1.2. Collection method: clinical testing. Allele origin: germline. Affected: yes.
Comment: PM2_moderate, PVS1_very-strong